The following is an entry in ClinVar:

NM_020971.3(SPTBN4):c.4305C>T (p.Asp1435=)

Gene: SPTBN4 (spectrin beta, non-erythrocytic 4; plus strand). Cytogenetic location: 19q13.2.
Variant type: single nucleotide variant.
Coding change: c.4305C>T on transcript NM_020971.3 (MANE Select); coding-DNA position 4305, C replaced by T.
Protein change: p.Asp1435=; no amino-acid change (aspartic acid 1435 retained).
Molecular consequence: synonymous variant.
Genome position (GRCh38, 1-based): chr19:40,534,289, C>T. VCF-style: chr19-40534289-C-T. GRCh37 (hg19) VCF-style: chr19-41040196-C-T.
Other names: c.333C>T, p.Asp111= (NM_025213.3).
Identifiers: ClinVar variation 2649899 (VCV002649899.24), dbSNP rs375566307, ClinGen allele CA9446223.

ClinVar aggregate classification (germline): Likely benign (1 of 4 stars; one submission).

Allele frequency attached by ClinVar (database versions not stated): gnomAD exomes 0.00002; TOPMed 0.00002; ExAC 0.00003; gnomAD 0.00003; ESP Exome Variant Server 0.00008; 1000 Genomes Project 0.00020; 1000 Genomes Project 30x 0.00031.
gnomAD v4.1: 39 of 1,614,056 alleles (0.0024%); highest among the groups gnomAD compares: South Asian, 0.0099%; no homozygotes.

Submission:

CeGaT Center for Human Genetics Tuebingen
Classification: Likely benign. Last evaluated: 2022-10-01. Review status: criteria provided, single submitter. Criteria: CeGaT Center For Human Genetics Tuebingen Variant Classification Criteria Version 2. Collection method: clinical testing. Allele origin: germline. Affected: yes. Observed: 1 variant allele.
Comment: SPTBN4: BP4, BP7